The following is an entry in ClinVar:

ClinVar aggregate classification (germline): Uncertain significance (1 of 4 stars; one submission).

Conditions:
Cardiomyopathy (CMYO). Also called: Cardiomyopathies. Identifiers: Orphanet 167848, MedGen C0878544, MONDO:0004994, HP:0001638. Inheritance: Various modes of inheritance.

gnomAD v4.1: 7 of 1,613,748 alleles (0.00043%); highest among the groups gnomAD compares: Non-Finnish European, 0.00059%; no homozygotes.

Submission:

Color Diagnostics, LLC DBA Color Health
Classification: Uncertain significance for Cardiomyopathy. Last evaluated: 2023-12-04. Review status: criteria provided, single submitter. Criteria: ACMG Guidelines, 2015. Collection method: clinical testing. Allele origin: germline.
Comment: Variant of Uncertain Significance due to insufficient evidence: This missense variant is located in the pore-forming region of the RYR2 protein. Computational prediction tools and conservation analyses are inconclusive regarding the impact of this variant on the protein function. Computational splicing tools suggest that this variant may not impact RNA splicing. To our knowledge, functional assays have not been performed for this variant nor has this variant been reported in individuals affected with cardiovascular disorders in the literature. This variant is rare in the general population and has been identified in 0/277264 chromosomes by the Genome Aggregation Database (gnomAD). Available evidence is insufficient to determine the pathogenicity of this variant conclusively.

NM_001035.3(RYR2):c.13672C>A (p.His4558Asn)

Gene: RYR2 (ryanodine receptor 2; plus strand). Cytogenetic location: 1q43.
Variant type: single nucleotide variant.
Coding change: c.13672C>A on transcript NM_001035.3 (MANE Select); coding-DNA position 13672, C replaced by A.
Protein change: p.His4558Asn; replaces histidine 4558 with asparagine.
Molecular consequence: missense variant.
Genome position (GRCh38, 1-based): chr1:237,792,213, C>A. VCF-style: chr1-237792213-C-A. GRCh37 (hg19) VCF-style: chr1-237955513-C-A.
Other names: short protein forms H4558N.
Identifiers: ClinVar variation 922794 (VCV000922794.5), dbSNP rs773264033, ClinGen allele CA345417484.